The following is an entry in ClinVar:

NM_005321.3(H1-4):c.645A>T (p.Ala215=)

Gene: H1-4 (H1.4 linker histone, cluster member; plus strand). Cytogenetic location: 6p22.2.
Variant type: single nucleotide variant.
Coding change: c.645A>T on transcript NM_005321.3 (MANE Select); coding-DNA position 645, A replaced by T.
Protein change: p.Ala215=; no amino-acid change (alanine 215 retained).
Molecular consequence: synonymous variant.
Genome position (GRCh38, 1-based): chr6:26,157,035, A>T. VCF-style: chr6-26157035-A-T. GRCh37 (hg19) VCF-style: chr6-26157263-A-T.
Identifiers: ClinVar variation 715337 (VCV000715337.29), dbSNP rs151006379, ClinGen allele CA3668268.

ClinVar aggregate classification (germline): Benign/Likely benign. Review status: criteria provided, multiple submitters, no conflicts (2 of 4 stars). 3 submissions from 3 submitters: Benign (1); Likely benign (2). Last evaluated 2024-11-25.

Allele frequency attached by ClinVar (database versions not stated): gnomAD exomes 0.00006 and 0.00020; ESP Exome Variant Server 0.00008; gnomAD 0.00014 and 0.00017; TOPMed 0.00017; ExAC 0.00019; 1000 Genomes Project 0.00040; 1000 Genomes Project 30x 0.00047.
gnomAD v4.1: 242 of 1,581,608 alleles (0.015%); highest among the groups gnomAD compares: East Asian, 0.096%; 3 homozygotes.

Submissions (3):

Blueprint Genetics
Classification: Likely benign. Last evaluated: 2024-11-25. Review status: criteria provided, single submitter. Criteria: ACMG Guidelines, 2015. Collection method: clinical testing. Allele origin: germline.

CeGaT Center for Human Genetics Tuebingen
Classification: Likely benign. Last evaluated: 2023-03-01. Review status: criteria provided, single submitter. Criteria: CeGaT Center For Human Genetics Tuebingen Variant Classification Criteria Version 2. Collection method: clinical testing. Allele origin: germline. Affected: yes. Observed: 1 variant allele.
Comment: H1-4: BP4, BP7

Labcorp Genetics (formerly Invitae), Labcorp
Classification: Benign. Last evaluated: 2019-12-31. Review status: criteria provided, single submitter. Criteria: Invitae Variant Classification Sherloc (09022015). Collection method: clinical testing. Allele origin: germline.